The following is an entry in ClinVar:

ClinVar aggregate classification (germline): Uncertain significance (1 of 4 stars; one submission).

Conditions:
COL4A6-related disorder. Also called: COL4A6-related condition.

gnomAD v4.1: 1 of 1,189,847 alleles (0.000084%); highest among the groups gnomAD compares: Non-Finnish European, 0.00011%; no homozygotes.

Submission:

PreventionGenetics, part of Exact Sciences
Classification: Uncertain significance for COL4A6-related condition. Last evaluated: 2025-01-02. Review status: criteria provided, single submitter. Criteria: ACMG Guidelines, 2015. Collection method: clinical testing. Allele origin: germline.
Comment: The COL4A6 c.3524G>A variant is predicted to result in the amino acid substitution p.Gly1175Glu. To our knowledge, this variant has not been reported in the literature or in a large population database (gnomAD), indicating this variant is rare. At this time, the clinical significance of this variant is uncertain due to the absence of conclusive functional and genetic evidence.

NM_033641.4(COL4A6):c.3521G>A (p.Gly1174Glu)

Gene: COL4A6 (collagen type IV alpha 6 chain; minus strand). Cytogenetic location: Xq22.3.
Variant type: single nucleotide variant.
Coding change: c.3521G>A on transcript NM_033641.4 (MANE Select); coding-DNA position 3521, G replaced by A.
Protein change: p.Gly1174Glu; replaces glycine 1174 with glutamic acid.
Molecular consequence: missense variant. On other transcripts: intron variant (2).
Genome position (GRCh38, 1-based): chrX:108,169,989, C>T on the plus strand (G>A on the coding strand, the complement: COL4A6 is on the minus strand). VCF-style: chrX-108169989-C-T. GRCh37 (hg19) VCF-style: chrX-107413219-C-T.
Other names: c.3572G>A, p.Gly1191Glu (NM_001287758.2); c.3524G>A, p.Gly1175Glu (NM_001440759.1, NM_001847.4); c.3521G>A, p.Gly1174Glu (NM_001440760.1); c.3494-369G>A (NM_001287760.2, NM_001287759.2); short protein forms G1191E, G1175E, G1174E.
Identifiers: ClinVar variation 5000017 (VCV005000017.1).